The following is an entry in ClinVar:

ClinVar aggregate classification (germline): Likely benign. Review status: criteria provided, multiple submitters, no conflicts (2 of 4 stars). 2 submissions from 2 submitters: Likely benign (2). Last evaluated 2026-05-11.

Conditions:
POLG-related disorder. Also called: POLG-related condition; POLG-Related Disorders; POLG-Related Spectrum Disorders. Identifiers: MedGen C4763519.
Progressive sclerosing poliodystrophy (MTDPS4A). Also called: Alpers Syndrome; Mitochondrial DNA depletion syndrome 4A (Alpers type); Mitochondrial DNA Depletion Syndrome 4A; Alpers-Huttenlocher Syndrome; ALPERS DIFFUSE DEGENERATION OF CEREBRAL GRAY MATTER WITH HEPATIC CIRRHOSIS; NEURONAL DEGENERATION OF CHILDHOOD WITH LIVER DISEASE, PROGRESSIVE. Identifiers: Orphanet 726, MedGen C0205710, MONDO:0008758, OMIM 203700.

Submissions (2):

PreventionGenetics, part of Exact Sciences
Classification: Likely benign for POLG-related condition. Last evaluated: 2026-05-11. Review status: criteria provided, single submitter. Criteria: ACMG Guidelines, 2015. Collection method: clinical testing. Allele origin: germline.
Comment: This variant is classified as likely benign based on ACMG/AMP sequence variant interpretation guidelines (Richards et al. 2015 PMID: 25741868, with internal and published modifications).

Labcorp Genetics (formerly Invitae), Labcorp
Classification: Likely benign for Progressive sclerosing poliodystrophy. Last evaluated: 2023-10-19. Review status: criteria provided, single submitter. Criteria: Invitae Variant Classification Sherloc (09022015). Collection method: clinical testing. Allele origin: germline.

NM_002693.3(POLG):c.3303A>G (p.Val1101=)

Gene: POLG (DNA polymerase gamma, catalytic subunit; minus strand). Cytogenetic location: 15q26.1.
Variant type: single nucleotide variant.
Coding change: c.3303A>G on transcript NM_002693.3 (MANE Select); coding-DNA position 3303, A replaced by G.
Protein change: p.Val1101=; no amino-acid change (valine 1101 retained).
Molecular consequence: synonymous variant.
Genome position (GRCh38, 1-based): chr15:89,318,720, T>C on the plus strand (A>G on the coding strand, the complement: POLG is on the minus strand). VCF-style: chr15-89318720-T-C. GRCh37 (hg19) VCF-style: chr15-89861951-T-C.
Other names: c.3303A>G, p.Val1101= (NM_001126131.2).
Identifiers: ClinVar variation 3003177 (VCV003003177.4), dbSNP rs540638961, ClinGen allele CA492288843.
Genomic context (GRCh38, chr15:89,318,720, plus strand): 5'-TTCAAACAGCCACTTCATGGCCACAAGCATGAGGTGTAAGTAGTCAACAGCAGAGCTCTG[T>C]ACCACCCAATTCACACGGCTGGTCATAAACTGGGAAGGGAAGGTGGGCAGAGGTGAAAGG-3'
Protein context (NP_002684.1, residues 1091-1111): EFMTSRVNWV[Val1101=]QSSAVDYLHL